The following is an entry in ClinVar:

NM_198859.4(PRICKLE2):c.*1277C>G

Genes: PRICKLE2 (prickle planar cell polarity protein 2; minus strand), PRICKLE2-AS1 (PRICKLE2 antisense RNA 1; plus strand). Cytogenetic location: 3p14.1.
Variant type: single nucleotide variant.
Coding change: c.*1277C>G on transcript NM_198859.4 (MANE Select); 1277 bases downstream of the stop codon, C replaced by G.
Molecular consequence: 3 prime UTR variant. On other transcripts: non-coding transcript variant (1).
Genome position (GRCh38, 1-based): chr3:64,097,774, G>C on the plus strand (C>G on the coding strand, the complement: PRICKLE2 is on the minus strand). VCF-style: chr3-64097774-G-C. GRCh37 (hg19) VCF-style: chr3-64083450-G-C.
Other names: c.*1277C>G (NM_001370528.1).
Identifiers: ClinVar variation 346458 (VCV000346458.5), dbSNP rs17069880, ClinGen allele CA10617299.

ClinVar aggregate classification (germline): Benign (1 of 4 stars; one submission).

Conditions:
Progressive myoclonic epilepsy. Also called: Progressive myoclonus epilepsy; Myoclonus epilepsy; Familial progressive myoclonic epilepsy; Myoclonic Epilepsies, Progressive. Identifiers: Orphanet 308, Orphanet 98261, MedGen C0751778, MONDO:0020074.

Allele frequency attached by ClinVar (database versions not stated): gnomAD exomes 0.00661; gnomAD 0.00857 and 0.00998; TOPMed 0.01634; 1000 Genomes Project 0.03474; 1000 Genomes Project 30x 0.03513.
gnomAD v4.1: 1,516 of 152,576 alleles (0.99%); highest among the groups gnomAD compares: East Asian, 11%; 72 homozygotes.

Submission:

Illumina Laboratory Services, Illumina
Classification: Benign for Progressive myoclonic epilepsy. Last evaluated: 2018-01-13. Review status: criteria provided, single submitter. Criteria: ICSL Variant Classification Criteria 13 December 2019. Collection method: clinical testing. Allele origin: germline.
Comment: This variant was observed in the ICSL laboratory as part of a predisposition screen in an ostensibly healthy population. It had not been previously curated by ICSL or reported in the Human Gene Mutation Database (HGMD: prior to June 1st, 2018), and was therefore a candidate for classification through an automated scoring system. Utilizing variant allele frequency, disease prevalence and penetrance estimates, and inheritance mode, an automated score was calculated to assess if this variant is too frequent to cause the disease. Based on the score and internal cut-off values, a variant classified as benign is not then subjected to further curation. The score for this variant resulted in a classification of benign for this disease.